The following is an entry in ClinVar:

NM_145207.3(AFG2A):c.100_102del (p.Ser34del)

Gene: AFG2A (AAA ATPase AFG2A; plus strand). Cytogenetic location: 4q28.1.
Variant type: Deletion.
Coding change: c.100_102del on transcript NM_145207.3 (MANE Select); coding-DNA positions 100 to 102, 3 bases deleted (TCT; older notation c.100_102delTCT).
Protein change: p.Ser34del; deletes serine 34.
Molecular consequence: inframe deletion.
Genome position (GRCh38, 1-based): chr4:122,923,242-122,923,244, TCT deleted; deleting any 3 consecutive bases within chr4:122,923,240-122,923,244 gives the same sequence; the c. name uses the placement nearest the transcript's 3' end. VCF-style (leftmost placement, unchanged base first): chr4-122923239-CCTT-C. GRCh37 (hg19) VCF-style: chr4-123844394-CCTT-C.
Other names: c.100_102del, p.Ser34del (NM_001317799.2, NM_001345856.2); short protein forms S34del.
Identifiers: ClinVar variation 1471564 (VCV001471564.5), dbSNP rs2125714048, ClinGen allele CA2573138031.

ClinVar aggregate classification (germline): Uncertain significance (1 of 4 stars; one submission).

Conditions:
Microcephaly-intellectual disability-sensorineural hearing loss-epilepsy-abnormal muscle tone syndrome (NEDHSB). Also called: NEURODEVELOPMENTAL DISORDER WITH HEARING LOSS, SEIZURES, AND BRAIN ABNORMALITIES. Identifiers: Orphanet 457351, MedGen C4225276, MONDO:0014698, OMIM 616577.

Submission:

Labcorp Genetics (formerly Invitae), Labcorp
Classification: Uncertain significance for Microcephaly-intellectual disability-sensorineural hearing loss-epilepsy-abnormal muscle tone syndrome. Last evaluated: 2022-07-06. Review status: criteria provided, single submitter. Criteria: Invitae Variant Classification Sherloc (09022015). Collection method: clinical testing. Allele origin: germline.
Comment: In summary, the available evidence is currently insufficient to determine the role of this variant in disease. Therefore, it has been classified as a Variant of Uncertain Significance. Experimental studies and prediction algorithms are not available or were not evaluated, and the functional significance of this variant is currently unknown. ClinVar contains an entry for this variant (Variation ID: 1471564). This variant has not been reported in the literature in individuals affected with SPATA5-related conditions. This variant is not present in population databases (gnomAD no frequency). This variant, c.100_102del, results in the deletion of 1 amino acid(s) of the SPATA5 protein (p.Ser34del), but otherwise preserves the integrity of the reading frame.